The following is an entry in ClinVar:

ClinVar aggregate classification (germline): Uncertain significance. Review status: criteria provided, multiple submitters, no conflicts (2 of 4 stars). 2 submissions from 2 submitters: Uncertain significance (2). Last evaluated 2025-11-23.

Conditions:
Arrhythmogenic cardiomyopathy with wooly hair and keratoderma. Also called: PALMOPLANTAR KERATODERMA WITH LEFT VENTRICULAR CARDIOMYOPATHY AND WOOLLY HAIR; Carvajal syndrome; Dilated cardiomyopathy with woolly hair and keratoderma; Arrhythmogenic cardiomyopathy with woolly hair and keratoderma. Identifiers: Orphanet 65282, MedGen C1854063, MONDO:0011581, OMIM 605676.
Arrhythmogenic right ventricular dysplasia 8 (ARVD8). Also called: ARRHYTHMOGENIC RIGHT VENTRICULAR DYSPLASIA, FAMILIAL, 8; ARRHYTHMOGENIC RIGHT VENTRICULAR CARDIOMYOPATHY 8; Arrhythmogenic Right Ventricular Dysplasia/Cardiomyopathy 8. Identifiers: MedGen C1843896, MONDO:0011831, OMIM 607450.

Submissions (2):

Labcorp Genetics (formerly Invitae), Labcorp
Classification: Uncertain significance for Arrhythmogenic cardiomyopathy with wooly hair and keratoderma; Arrhythmogenic right ventricular dysplasia 8. Last evaluated: 2025-11-23. Review status: criteria provided, single submitter. Criteria: Invitae Variant Classification Sherloc (09022015). Collection method: clinical testing. Allele origin: germline.
Comment: This sequence change replaces asparagine, which is neutral and polar, with tyrosine, which is neutral and polar, at codon 1324 of the DSP protein (p.Asn1324Tyr). This variant is not present in population databases (gnomAD no frequency). This variant has not been reported in the literature in individuals affected with DSP-related conditions. ClinVar contains an entry for this variant (Variation ID: 3074007). An algorithm developed to predict the effect of missense changes on protein structure and function (PolyPhen-2) suggests that this variant is likely to be disruptive. In summary, the available evidence is currently insufficient to determine the role of this variant in disease. Therefore, it has been classified as a Variant of Uncertain Significance.

All of Us Research Program, National Institutes of Health
Classification: Uncertain significance for Arrhythmogenic cardiomyopathy with wooly hair and keratoderma. Last evaluated: 2023-11-30. Review status: criteria provided, single submitter. Criteria: ACMG Guidelines, 2015. Collection method: clinical testing. Allele origin: germline. Inheritance: Autosomal dominant inheritance. Observed: 1 variant allele, 1 heterozygote.
Comment: This study involves interpretation of variants in research participants for the purpose of population health screening. Participant phenotype was not available at the time of variant classification. Additional details can be found in publication PMID: 35346344, PMCID: PMC8962531

NM_004415.4(DSP):c.3970A>T (p.Asn1324Tyr)

Gene: DSP (desmoplakin; plus strand). Cytogenetic location: 6p24.3.
Variant type: single nucleotide variant.
Coding change: c.3970A>T on transcript NM_004415.4 (MANE Select); coding-DNA position 3970, A replaced by T.
Protein change: p.Asn1324Tyr; replaces asparagine 1324 with tyrosine.
Molecular consequence: missense variant. On other transcripts: intron variant (1).
Genome position (GRCh38, 1-based): chr6:7,580,160, A>T. VCF-style: chr6-7580160-A-T. GRCh37 (hg19) VCF-style: chr6-7580393-A-T.
Other names: c.3970A>T, p.Asn1324Tyr (NM_001319034.2); c.3582+388A>T (NM_001008844.3); short protein forms N1324Y.
Identifiers: ClinVar variation 3074007 (VCV003074007.2), dbSNP rs2533926844, ClinGen allele CA362685256.